The following is an entry in ClinVar:

ClinVar aggregate classification (germline): Likely benign. Review status: criteria provided, single submitter (1 of 4 stars). 2 submissions from 2 submitters: Likely benign (1). 1 of the submissions does not count toward it. Last evaluated 2024-08-30.

Conditions:
VSIG4-related disorder. Also called: VSIG4-related condition.

Allele frequency attached by ClinVar (database versions not stated): gnomAD exomes 0.00031; ExAC 0.00121; gnomAD 0.00302; 1000 Genomes Project 30x 0.00312; ESP Exome Variant Server 0.00331; TOPMed 0.00347; 1000 Genomes Project 0.00371.
gnomAD v4.1: 686 of 1,209,502 alleles (0.057%); highest among the groups gnomAD compares: African/African-American, 1%; 2 homozygotes.

Submissions (2):

Blueprint Genetics
Classification: Likely benign. Last evaluated: 2024-08-30. Review status: criteria provided, single submitter. Criteria: ACMG Guidelines, 2015. Collection method: clinical testing. Allele origin: germline.

PreventionGenetics, part of Exact Sciences
Classification: Benign for VSIG4-related condition. Last evaluated: 2019-03-26. Review status: no assertion criteria provided. Collection method: clinical testing. Allele origin: germline. Not counted in ClinVar's aggregate classification.
Comment: This variant is classified as benign based on ACMG/AMP sequence variant interpretation guidelines (Richards et al. 2015 PMID: 25741868, with internal and published modifications).

NM_007268.3(VSIG4):c.322C>T (p.Arg108Trp)

Genes: VSIG4 (V-set and immunoglobulin domain containing 4; minus strand), LOC126863268 (CDK7 strongly-dependent group 2 enhancer GRCh37_chrX:65252367-65253566; plus strand). Cytogenetic location: Xq12.
Variant type: single nucleotide variant.
Coding change: c.322C>T on transcript NM_007268.3 (MANE Select); coding-DNA position 322, C replaced by T.
Protein change: p.Arg108Trp; replaces arginine 108 with tryptophan.
Molecular consequence: missense variant.
Genome position (GRCh38, 1-based): chrX:66,033,564, G>A on the plus strand (C>T on the coding strand, the complement: VSIG4 is on the minus strand). VCF-style: chrX-66033564-G-A. GRCh37 (hg19) VCF-style: chrX-65253406-G-A.
Other names: c.322C>T, p.Arg108Trp (NM_001100431.2, NM_001184830.2, NM_001184831.2 and 1 more transcripts); short protein forms R108W.
Identifiers: ClinVar variation 3044903 (VCV003044903.3), dbSNP rs34581041, ClinGen allele CA10435050.